The following is an entry in ClinVar:

ClinVar aggregate classification (germline): Conflicting classifications of pathogenicity. Review status: criteria provided, conflicting classifications (1 of 4 stars). 5 submissions from 5 submitters: Uncertain significance (4); Likely benign (1). Last evaluated 2025-11-17.

Conditions:
Fanconi anemia complementation group O. Also called: RAD51C-Related Fanconi Anemia. Identifiers: Orphanet 84, MedGen C3150653, MONDO:0013248, OMIM 613390.
Hereditary cancer-predisposing syndrome. Also called: Neoplastic Syndromes, Hereditary; Tumor predisposition; Hereditary neoplastic syndrome; Hereditary Cancer Syndrome. Identifiers: Orphanet 140162, MedGen C0027672, MeSH D009386, MONDO:0015356.

Allele frequency attached by ClinVar (database versions not stated): TOPMed below 0.00001; gnomAD 0.00001; gnomAD exomes 0.00001 and 0.00003.
gnomAD v4.1: 49 of 1,611,950 alleles (0.003%); highest among the groups gnomAD compares: Non-Finnish European, 0.0041%; no homozygotes.

Submissions (5):

Labcorp Genetics (formerly Invitae), Labcorp
Classification: Uncertain significance for Fanconi anemia complementation group O. Last evaluated: 2025-11-17. Review status: criteria provided, single submitter. Criteria: Invitae Variant Classification Sherloc (09022015). Collection method: clinical testing. Allele origin: germline.
Comment: This sequence change replaces phenylalanine, which is neutral and non-polar, with leucine, which is neutral and non-polar, at codon 229 of the RAD51C protein (p.Phe229Leu). This variant is present in population databases (rs780177888, gnomAD 0.0009%). This missense change has been observed in individual(s) with aplastic anemia, but was also reported in an unaffected individual (PMID: 24763404). ClinVar contains an entry for this variant (Variation ID: 241774). Invitae Evidence Modeling of protein sequence and biophysical properties (such as structural, functional, and spatial information, amino acid conservation, physicochemical variation, residue mobility, and thermodynamic stability) indicates that this missense variant is not expected to disrupt RAD51C protein function with a negative predictive value of 80%. In summary, the available evidence is currently insufficient to determine the role of this variant in disease. Therefore, it has been classified as a Variant of Uncertain Significance.

Ambry Genetics
Classification: Likely benign for Hereditary cancer-predisposing syndrome. Last evaluated: 2025-10-24. Review status: criteria provided, single submitter. Criteria: Ambry Variant Classification Scheme 2023. Collection method: clinical testing. Allele origin: germline.

GeneDx
Classification: Uncertain significance. Last evaluated: 2025-01-17. Review status: criteria provided, single submitter. Criteria: GeneDx Variant Classification Process June 2021. Collection method: clinical testing. Allele origin: germline. Affected: yes.
Comment: Not observed at significant frequency in large population cohorts (gnomAD); In silico analysis supports that this missense variant has a deleterious effect on protein structure/function; Observed in a patient with idiopathic aplastic anemia as well as an unaffected control participant (PMID: 24763404); This variant is associated with the following publications: (PMID: 14704354, 24763404)

Color Diagnostics, LLC DBA Color Health
Classification: Uncertain significance for Hereditary cancer-predisposing syndrome. Last evaluated: 2025-01-13. Review status: criteria provided, single submitter. Criteria: ACMG Guidelines, 2015. Collection method: clinical testing. Allele origin: germline.
Comment: This missense variant replaces phenylalanine with leucine at codon 229 of the RAD51C protein. Computational prediction suggests that this variant may not impact protein structure and function. To our knowledge, functional studies have not been reported for this variant. This variant has been reported in an individual affected with idiopathic aplastic anemia (PMID: 24763404). This variant has been identified in 2/251196 chromosomes in the general population by the Genome Aggregation Database (gnomAD). The available evidence is insufficient to determine the role of this variant in disease conclusively. Therefore, this variant is classified as a Variant of Uncertain Significance.

Quest Diagnostics Nichols Institute San Juan Capistrano
Classification: Uncertain significance. Last evaluated: 2017-06-16. Review status: criteria provided, single submitter. Criteria: Quest Diagnostics criteria. Collection method: clinical testing. Allele origin: germline.

Literature cited by the submitters: PubMed 24763404 (cited by 4 submitters).

NM_058216.3(RAD51C):c.687C>G (p.Phe229Leu)

Genes: RAD51C (RAD51 paralog C; plus strand), LOC129390903 (MPRA-validated peak2919 silencer; plus strand). Cytogenetic location: 17q22.
Variant type: single nucleotide variant.
Coding change: c.687C>G on transcript NM_058216.3 (MANE Select); coding-DNA position 687, C replaced by G.
Protein change: p.Phe229Leu; replaces phenylalanine 229 with leucine.
Molecular consequence: missense variant. On other transcripts: non-coding transcript variant (1).
Genome position (GRCh38, 1-based): chr17:58,703,311, C>G. VCF-style: chr17-58703311-C-G. GRCh37 (hg19) VCF-style: chr17-56780672-C-G.
Other names: short protein forms F229L.
Identifiers: ClinVar variation 241774 (VCV000241774.23), dbSNP rs780177888, ClinGen allele CA10583604.